The following is an entry in ClinVar:

NM_001165963.4(SCN1A):c.278T>C (p.Leu93Ser)

Gene: SCN1A (sodium voltage-gated channel alpha subunit 1; minus strand). Cytogenetic location: 2q24.3.
Variant type: single nucleotide variant.
Coding change: c.278T>C on transcript NM_001165963.4 (MANE Select); coding-DNA position 278, T replaced by C.
Protein change: p.Leu93Ser; replaces leucine 93 with serine.
Molecular consequence: missense variant. On other transcripts: 5 prime UTR variant (1), non-coding transcript variant (1).
Genome position (GRCh38, 1-based): chr2:166,058,675, A>G on the plus strand (T>C on the coding strand, the complement: SCN1A is on the minus strand). VCF-style: chr2-166058675-A-G. GRCh37 (hg19) VCF-style: chr2-166915185-A-G.
Other names: c.278T>C, p.Leu93Ser (NM_001353948.2, NM_001353949.2, NM_001353955.2 and 10 more transcripts); c.-2148T>C (NM_001353961.2); short protein forms L93S.
Identifiers: ClinVar variation 2734319 (VCV002734319.3), dbSNP rs1553553593, ClinGen allele CA349077270.

ClinVar aggregate classification (germline): Likely pathogenic (1 of 4 stars; one submission).

Conditions:
Early-infantile DEE. Also called: Early infantile epileptic encephalopathy; Early infantile epileptic encephalopathy with suppression bursts; Ohtahara syndrome. Identifiers: Orphanet 1934, MedGen C0393706, MONDO:0800491.

Submission:

Labcorp Genetics (formerly Invitae), Labcorp
Classification: Likely pathogenic for Early-infantile DEE. Last evaluated: 2023-07-09. Review status: criteria provided, single submitter. Criteria: Invitae Variant Classification Sherloc (09022015). Collection method: clinical testing. Allele origin: germline.
Comment: This sequence change replaces leucine, which is neutral and non-polar, with serine, which is neutral and polar, at codon 93 of the SCN1A protein (p.Leu93Ser). In summary, the currently available evidence indicates that the variant is pathogenic, but additional data are needed to prove that conclusively. Therefore, this variant has been classified as Likely Pathogenic. Advanced modeling of protein sequence and biophysical properties (such as structural, functional, and spatial information, amino acid conservation, physicochemical variation, residue mobility, and thermodynamic stability) performed at Invitae indicates that this missense variant is expected to disrupt SCN1A protein function. This missense change has been observed in individual(s) with Dravet syndrome (PMID: 25459968). This variant is not present in population databases (gnomAD no frequency).

Literature cited by the submitters: PubMed 25459968.